The following is an entry in ClinVar:

NM_005591.4(MRE11):c.1003T>C (p.Phe335Leu)

Gene: MRE11 (MRE11 double strand break repair nuclease; minus strand). Cytogenetic location: 11q21.
Variant type: single nucleotide variant.
Coding change: c.1003T>C on transcript NM_005591.4 (MANE Select); coding-DNA position 1003, T replaced by C.
Protein change: p.Phe335Leu; replaces phenylalanine 335 with leucine.
Molecular consequence: missense variant.
Genome position (GRCh38, 1-based): chr11:94,470,485, A>G on the plus strand (T>C on the coding strand, the complement: MRE11 is on the minus strand). VCF-style: chr11-94470485-A-G. GRCh37 (hg19) VCF-style: chr11-94203651-A-G.
Other names: c.1003T>C, p.Phe335Leu (NM_001330347.2, NM_005590.4); short protein forms F335L.
Identifiers: ClinVar variation 1799946 (VCV001799946.2), dbSNP rs2496482029, ClinGen allele CA382374212.

ClinVar aggregate classification (germline): Uncertain significance (1 of 4 stars; one submission).

Conditions:
Hereditary cancer-predisposing syndrome. Also called: Neoplastic Syndromes, Hereditary; Tumor predisposition; Hereditary Cancer Syndrome; Hereditary neoplastic syndrome. Identifiers: Orphanet 140162, MedGen C0027672, MeSH D009386, MONDO:0015356.

Submission:

Ambry Genetics
Classification: Uncertain significance for Hereditary cancer-predisposing syndrome. Last evaluated: 2015-12-17. Review status: criteria provided, single submitter. Criteria: Ambry Variant Classification Scheme 2023. Collection method: clinical testing. Allele origin: germline.
Comment: The p.F335L variant (also known as c.1003T>C), located in coding exon 8 of the MRE11A gene, results from a T to C substitution at nucleotide position 1003. The phenylalanine at codon 335 is replaced by leucine, an amino acid with highly similar properties. This variant was not reported in population based cohorts in the following databases: Database of Single Nucleotide Polymorphisms (dbSNP), NHLBI Exome Sequencing Project (ESP), and 1000 Genomes Project. In the ESP, this variant was not observed in 6498 samples (12996 alleles) with coverage at this position. To date, this alteration has been detected with an allele frequency of approximately 0.001% (greater than 120000 alleles tested) in our clinical cohort. This amino acid position is well conserved in available vertebrate species. In addition, this alteration is predicted to be tolerated by in silico analysis. Since supporting evidence is limited at this time, the clinical significance of p.F335L remains unclear.